The following is an entry in ClinVar:

ClinVar aggregate classification (germline): Likely benign (1 of 4 stars; one submission).

Conditions:
CLPX-related disorder. Also called: CLPX-related condition.

Submission:

PreventionGenetics, part of Exact Sciences
Classification: Likely benign for CLPX-related condition. Last evaluated: 2026-02-23. Review status: criteria provided, single submitter. Criteria: ACMG Guidelines, 2015. Collection method: clinical testing. Allele origin: germline.
Comment: This variant is classified as likely benign based on ACMG/AMP sequence variant interpretation guidelines (Richards et al. 2015 PMID: 25741868, with internal and published modifications).

NM_006660.5(CLPX):c.1164A>T (p.Leu388=)

Gene: CLPX (caseinolytic mitochondrial matrix peptidase chaperone subunit X; minus strand). Cytogenetic location: 15q22.31.
Variant type: single nucleotide variant.
Coding change: c.1164A>T on transcript NM_006660.5 (MANE Select); coding-DNA position 1164, A replaced by T.
Protein change: p.Leu388=; no amino-acid change (leucine 388 retained).
Molecular consequence: synonymous variant. On other transcripts: non-coding transcript variant (1).
Genome position (GRCh38, 1-based): chr15:65,155,839, T>A on the plus strand (A>T on the coding strand, the complement: CLPX is on the minus strand). VCF-style: chr15-65155839-T-A. GRCh37 (hg19) VCF-style: chr15-65448177-T-A.
Identifiers: ClinVar variation 4979605 (VCV004979605.1).